The following is an entry in ClinVar:

NM_001040108.2(MLH3):c.1307A>T (p.Asn436Ile)

Gene: MLH3 (mutL homolog 3; minus strand). Cytogenetic location: 14q24.3.
Variant type: single nucleotide variant.
Coding change: c.1307A>T on transcript NM_001040108.2 (MANE Select); coding-DNA position 1307, A replaced by T.
Protein change: p.Asn436Ile; replaces asparagine 436 with isoleucine.
Molecular consequence: missense variant.
Genome position (GRCh38, 1-based): chr14:75,048,349, T>A on the plus strand (A>T on the coding strand, the complement: MLH3 is on the minus strand). VCF-style: chr14-75048349-T-A. GRCh37 (hg19) VCF-style: chr14-75515052-T-A.
Other names: c.1307A>T, p.Asn436Ile (NM_014381.3); short protein forms N436I.
Identifiers: ClinVar variation 4055473 (VCV004055473.1).

ClinVar aggregate classification (germline): Uncertain significance (1 of 4 stars; one submission).

Submission:

Ambry Genetics
Classification: Uncertain significance. Last evaluated: 2025-04-05. Review status: criteria provided, single submitter. Criteria: Ambry Variant Classification Scheme 2023. Collection method: clinical testing. Allele origin: germline.
Comment: The p.N436I variant (also known as c.1307A>T), located in coding exon 1 of the MLH3 gene, results from an A to T substitution at nucleotide position 1307. The asparagine at codon 436 is replaced by isoleucine, an amino acid with dissimilar properties. This amino acid position is conserved. In addition, this alteration is predicted to be tolerated by in silico analysis. Based on the available evidence, the clinical significance of this variant remains unclear.